The following is an entry in ClinVar:

NM_006060.6(IKZF1):c.157G>A (p.Val53Met)

Gene: IKZF1 (IKAROS family zinc finger 1; plus strand). Cytogenetic location: 7p12.2.
Variant type: single nucleotide variant.
Coding change: c.157G>A on transcript NM_006060.6 (MANE Select); coding-DNA position 157, G replaced by A.
Protein change: p.Val53Met; replaces valine 53 with methionine.
Molecular consequence: missense variant.
Genome position (GRCh38, 1-based): chr7:50,327,754, G>A. VCF-style: chr7-50327754-G-A. GRCh37 (hg19) VCF-style: chr7-50367350-G-A.
Other names: c.157G>A, p.Val53Met (NM_001220765.3, NM_001220767.2, NM_001220768.2 and 13 more transcripts); short protein forms V53M.
Identifiers: ClinVar variation 1336771 (VCV001336771.12), dbSNP rs369417059, ClinGen allele CA4261215.

ClinVar aggregate classification (germline): Conflicting classifications of pathogenicity. Review status: criteria provided, conflicting classifications (1 of 4 stars). 6 submissions from 6 submitters: Uncertain significance (3); Likely benign (3). Last evaluated 2026-03-31.

Conditions:
IKZF1-related disorder. Also called: IKZF1-related condition.

Allele frequency attached by ClinVar (database versions not stated): ExAC 0.00028; ESP Exome Variant Server 0.00039; TOPMed 0.00057; gnomAD 0.00069 and 0.00071.
gnomAD v4.1: 374 of 1,609,410 alleles (0.023%); highest among the groups gnomAD compares: African/African-American, 0.19%; no homozygotes.

Submissions (6):

Women's Health and Genetics/Laboratory Corporation of America, LabCorp
Classification: Likely benign. Last evaluated: 2026-03-31. Review status: criteria provided, single submitter. Criteria: LabCorp Variant Classification Summary - May 2015. Collection method: clinical testing. Allele origin: germline.

Labcorp Genetics (formerly Invitae), Labcorp
Classification: Likely benign. Last evaluated: 2026-01-02. Review status: criteria provided, single submitter. Criteria: Invitae Variant Classification Sherloc (09022015). Collection method: clinical testing. Allele origin: germline.

PreventionGenetics, part of Exact Sciences
Classification: Uncertain significance for IKZF1-related condition. Last evaluated: 2025-10-15. Review status: criteria provided, single submitter. Criteria: ACMG Guidelines, 2015. Collection method: clinical testing. Allele origin: germline.
Comment: The IKZF1 c.157G>A variant is predicted to result in the amino acid substitution p.Val53Met. This variant has been reported in children with acute lymphoblastic leukemia (Churchman et al. 2018. PubMed ID: 29681510). This variant is reported in 0.20% of alleles in individuals of African descent in gnomAD. At this time, the clinical significance of this variant is uncertain due to the absence of conclusive functional and genetic evidence.

Blueprint Genetics
Classification: Likely benign. Last evaluated: 2024-10-15. Review status: criteria provided, single submitter. Criteria: ACMG Guidelines, 2015. Collection method: clinical testing. Allele origin: germline.

GeneDx
Classification: Uncertain significance. Last evaluated: 2023-08-02. Review status: criteria provided, single submitter. Criteria: GeneDx Variant Classification Process June 2021. Collection method: clinical testing. Allele origin: germline. Affected: yes.
Comment: In silico analysis supports that this missense variant does not alter protein structure/function; Identified in individuals with childhood acute lymphoblastic leukemia (Churchman et al., 2018); Published functional studies demonstrate no impact on ability to repress MCL1, but moderate effect on cellular localization and cell adhesion (Churchman et al., 2018); This variant is associated with the following publications: (PMID: 29681510)

Genetic Services Laboratory, University of Chicago
Classification: Uncertain significance. Last evaluated: 2020-09-14. Review status: criteria provided, single submitter. Criteria: ACMG Guidelines, 2015. Collection method: clinical testing. Allele origin: germline. Affected: no.

Literature cited by the submitters: PubMed 26202931 (cited by Women's Health and Genetics/Laboratory Corporation of America, LabCorp); PubMed 22868967 (cited by Women's Health and Genetics/Laboratory Corporation of America, LabCorp); PubMed 22699455 (cited by Women's Health and Genetics/Laboratory Corporation of America, LabCorp); PubMed 19129520 (cited by Women's Health and Genetics/Laboratory Corporation of America, LabCorp); PubMed 10463586 (cited by Women's Health and Genetics/Laboratory Corporation of America, LabCorp); PubMed 7585946 (cited by Women's Health and Genetics/Laboratory Corporation of America, LabCorp); PubMed 27067989 (cited by Women's Health and Genetics/Laboratory Corporation of America, LabCorp); PubMed 27815723 (cited by Women's Health and Genetics/Laboratory Corporation of America, LabCorp); PubMed 8986714 (cited by Women's Health and Genetics/Laboratory Corporation of America, LabCorp).